The following is an entry in ClinVar:

NM_030662.4(MAP2K2):c.291C>A (p.Ile97=)

Gene: MAP2K2 (mitogen-activated protein kinase kinase 2; minus strand). Cytogenetic location: 19p13.3.
Variant type: single nucleotide variant.
Coding change: c.291C>A on transcript NM_030662.4 (MANE Select); coding-DNA position 291, C replaced by A.
Protein change: p.Ile97=; no amino-acid change (isoleucine 97 retained).
Molecular consequence: synonymous variant.
Genome position (GRCh38, 1-based): chr19:4,117,431, G>T on the plus strand (C>A on the coding strand, the complement: MAP2K2 is on the minus strand). VCF-style: chr19-4117431-G-T. GRCh37 (hg19) VCF-style: chr19-4117429-G-T.
Other names: p.I97I; NM_030662.3(MAP2K2):c.291C>A.
Identifiers: ClinVar variation 40787 (VCV000040787.19), dbSNP rs200918323, ClinGen allele CA9091060.

ClinVar aggregate classification (germline): Benign. Review status: reviewed by expert panel (3 of 4 stars). 6 submissions from 6 submitters: Benign (1). 5 of the submissions do not count toward it. Last evaluated 2017-05-09.

Conditions:
Noonan syndrome and Noonan-related syndrome. Identifiers: Orphanet 98733, MedGen C5681679, MONDO:0020297.
Cardiovascular phenotype. Identifiers: MedGen CN230736.
RASopathy. Also called: rasopathies; Noonan spectrum disorder. Identifiers: Orphanet 536391, MedGen C5555857, MONDO:0021060.

Allele frequency attached by ClinVar (database versions not stated): TOPMed 0.00014; 1000 Genomes Project 30x 0.00078; 1000 Genomes Project 0.00080.
gnomAD v4.1: 52 of 1,613,264 alleles (0.0032%); highest among the groups gnomAD compares: East Asian, 0.11%; no homozygotes.

Submissions (6):

ClinGen RASopathy Variant Curation Expert Panel
Classification: Benign for Noonan syndrome and Noonan-related syndrome. Last evaluated: 2017-05-09. Review status: reviewed by expert panel. Criteria: ClinGen RASopathy ACMG Specifications v1. Collection method: curation. Allele origin: germline. Inheritance: Autosomal dominant inheritance.
Comment: The filtering allele frequency of the c.291C>A (p.Ile97=) variant in the MAP2K2 gene is 0.182% (23/8614) of East Asian chromosomes by the Exome Aggregation Consortium, which is a high enough frequency to be classified as benign based on thresholds defined by the ClinGen RASopathy Expert Panel (BA1; PMID:29493581)

Labcorp Genetics (formerly Invitae), Labcorp
Classification: Likely benign for RASopathy. Last evaluated: 2026-01-21. Review status: criteria provided, single submitter. Criteria: Invitae Variant Classification Sherloc (09022015). Collection method: clinical testing. Allele origin: germline. Not counted in ClinVar's aggregate classification.

Blueprint Genetics
Classification: Likely benign. Last evaluated: 2024-08-21. Review status: criteria provided, single submitter. Criteria: ACMG Guidelines, 2015. Collection method: clinical testing. Allele origin: germline. Not counted in ClinVar's aggregate classification.

Ambry Genetics
Classification: Likely benign for Cardiovascular phenotype. Last evaluated: 2019-08-27. Review status: criteria provided, single submitter. Criteria: Ambry Variant Classification Scheme 2023. Collection method: clinical testing. Allele origin: germline. Not counted in ClinVar's aggregate classification.

Genome Diagnostics Laboratory, The Hospital for Sick Children
Classification: Likely benign for Noonan syndrome and Noonan-related syndrome. Last evaluated: 2019-02-01. Review status: criteria provided, single submitter. Criteria: ACMG Guidelines, 2015. Collection method: clinical testing. Allele origin: germline. Not counted in ClinVar's aggregate classification.

GeneDx
Classification: Benign. Last evaluated: 2015-03-03. Review status: criteria provided, single submitter. Criteria: GeneDx Variant Classification Process June 2021. Collection method: clinical testing. Allele origin: germline. Affected: yes. Not counted in ClinVar's aggregate classification.